The following is an entry in ClinVar:

NM_001040142.2(SCN2A):c.2304C>T (p.Cys768=)

Gene: SCN2A (sodium voltage-gated channel alpha subunit 2; plus strand). Cytogenetic location: 2q24.3.
Variant type: single nucleotide variant.
Coding change: c.2304C>T on transcript NM_001040142.2 (MANE Select); coding-DNA position 2304, C replaced by T.
Protein change: p.Cys768=; no amino-acid change (cysteine 768 retained).
Molecular consequence: synonymous variant.
Genome position (GRCh38, 1-based): chr2:165,331,484, C>T. VCF-style: chr2-165331484-C-T. GRCh37 (hg19) VCF-style: chr2-166187994-C-T.
Other names: c.2304C>T, p.Cys768= (NM_001040143.2, NM_001371246.1, NM_001371247.1 and 1 more transcripts).
Identifiers: ClinVar variation 416516 (VCV000416516.12), dbSNP rs764479273, ClinGen allele CA1939955.

ClinVar aggregate classification (germline): Likely benign. Review status: criteria provided, multiple submitters, no conflicts (2 of 4 stars). 3 submissions from 3 submitters: Likely benign (3). Last evaluated 2024-06-04.

Conditions:
Developmental and epileptic encephalopathy, 11 (DEE11). Also called: Early infantile epileptic encephalopathy 11. Identifiers: Orphanet 1934, MedGen C3150987, MONDO:0013388, OMIM 613721.
Seizures, benign familial infantile, 3 (BFIS3). Also called: CONVULSIONS, BENIGN FAMILIAL INFANTILE, 3; Familial neonatal seizures. Identifiers: Orphanet 140927, Orphanet 306, MedGen C1843140, MONDO:0011904, OMIM 607745.

Allele frequency attached by ClinVar (database versions not stated): gnomAD exomes 0.00001 and 0.00002; ExAC 0.00002; gnomAD 0.00003; TOPMed 0.00003.

Submissions (3):

Blueprint Genetics
Classification: Likely benign. Last evaluated: 2024-06-04. Review status: criteria provided, single submitter. Criteria: ACMG Guidelines, 2015. Collection method: clinical testing. Allele origin: germline.

Labcorp Genetics (formerly Invitae), Labcorp
Classification: Likely benign for Seizures, benign familial infantile, 3; Developmental and epileptic encephalopathy, 11. Last evaluated: 2024-05-29. Review status: criteria provided, single submitter. Criteria: Invitae Variant Classification Sherloc (09022015). Collection method: clinical testing. Allele origin: germline.

GeneDx
Classification: Likely benign. Last evaluated: 2017-06-07. Review status: criteria provided, single submitter. Criteria: GeneDx Variant Classification (06012015). Collection method: clinical testing. Allele origin: germline. Affected: yes.
Comment: This variant is considered likely benign or benign based on one or more of the following criteria: it is a conservative change, it occurs at a poorly conserved position in the protein, it is predicted to be benign by multiple in silico algorithms, and/or has population frequency not consistent with disease.